The following is an entry in ClinVar:

ClinVar aggregate classification (germline): Benign (1 of 4 stars; one submission).

Allele frequency attached by ClinVar (database versions not stated): TOPMed 0.06216; gnomAD 0.05251; 1000 Genomes Project 30x 0.05981; 1000 Genomes Project 0.05811.

Submission:

GeneDx
Classification: Benign. Last evaluated: 2018-06-14. Review status: criteria provided, single submitter. Criteria: GeneDx Variant Classification (06012015). Collection method: clinical testing. Allele origin: germline. Affected: yes.
Comment: This variant is considered likely benign or benign based on one or more of the following criteria: it is a conservative change, it occurs at a poorly conserved position in the protein, it is predicted to be benign by multiple in silico algorithms, and/or has population frequency not consistent with disease.

NM_001182.4(ALDH7A1):c.-287T>A

Gene: ALDH7A1 (aldehyde dehydrogenase 7 family member A1; minus strand). Cytogenetic location: 5q23.2.
Variant type: single nucleotide variant.
Coding change: c.-287T>A on transcript NM_001182.4; 287 bases upstream of the start codon, T replaced by A.
Genome position (GRCh38, 1-based): chr5:126,595,485, A>T on the plus strand (T>A on the coding strand, the complement: ALDH7A1 is on the minus strand). VCF-style: chr5-126595485-A-T. GRCh37 (hg19) VCF-style: chr5-125931177-A-T.
Identifiers: ClinVar variation 673182 (VCV000673182.3), dbSNP rs17165061, ClinGen allele CA126928107.
Genomic context (GRCh38, chr5:126,595,485, plus strand): 5'-CTCCGGGAGCCACAGTTCCAGCTGGGAATTCTTTTCAGCAAAATATTGGCGCTGAAGTAC[A>T]GTAGGCTATAGCAGGGGTTCTGAAACTGTAAAATGCGTGTAATGACCTGGTCGTCGTGGT-3'